The following is an entry in ClinVar:

NM_001378452.1(ITPR1):c.6317C>T (p.Ala2106Val)

Gene: ITPR1 (inositol 1,4,5-trisphosphate receptor type 1; plus strand). Cytogenetic location: 3p26.1.
Variant type: single nucleotide variant.
Coding change: c.6317C>T on transcript NM_001378452.1 (MANE Select); coding-DNA position 6317, C replaced by T.
Protein change: p.Ala2106Val; replaces alanine 2106 with valine.
Molecular consequence: missense variant.
Genome position (GRCh38, 1-based): chr3:4,779,575, C>T. VCF-style: chr3-4779575-C-T. GRCh37 (hg19) VCF-style: chr3-4821259-C-T.
Other names: c.6173C>T, p.Ala2058Val (NM_001099952.4); c.6272C>T, p.Ala2091Val (NM_001168272.2); c.6128C>T, p.Ala2043Val (NM_002222.7); short protein forms A2043V, A2058V, A2091V, A2106V.
Identifiers: ClinVar variation 3776244 (VCV003776244.1).

ClinVar aggregate classification (germline): Uncertain significance (1 of 4 stars; one submission).

Conditions:
Gillespie syndrome (GLSP). Also called: Aniridia-cerebellar ataxia-intellectual disability syndrome; Aniridia, cerebellar ataxia, and mental deficiency. Identifiers: Orphanet 1065, MedGen C0431401, MONDO:0008795, OMIM 206700.

Submission:

3billion
Classification: Uncertain significance for Gillespie syndrome. Last evaluated: 2023-06-07. Review status: criteria provided, single submitter. Criteria: ACMG Guidelines, 2015. Collection method: clinical testing. Allele origin: germline. Affected: yes.
Comment: The variant is not observed in the gnomAD v2.1.1 dataset. Predicted Consequence/Location: Missense changes are a common disease-causing mechanism. In silico tool predictions suggest damaging effect of the variant on gene or gene product (REVEL: 0.83; 3Cnet: 0.49). Therefore, this variant is classified as VUS according to the recommendation of ACMG/AMP guideline.